The following is an entry in ClinVar:

ClinVar aggregate classification (germline): Uncertain significance (1 of 4 stars; one submission).

Conditions:
Hereditary cancer-predisposing syndrome. Also called: Hereditary Cancer Syndrome; Neoplastic Syndromes, Hereditary; Tumor predisposition; Hereditary neoplastic syndrome. Identifiers: Orphanet 140162, MedGen C0027672, MeSH D009386, MONDO:0015356.

Submission:

Ambry Genetics
Classification: Uncertain significance for Hereditary cancer-predisposing syndrome. Last evaluated: 2026-08-24. Review status: criteria provided, single submitter. Criteria: Ambry Variant Classification Scheme 2023. Collection method: clinical testing. Allele origin: germline.
Comment: The p.K1485E variant (also known as c.4453A>G), located in coding exon 22 of the DICER1 gene, results from an A to G substitution at nucleotide position 4453. The lysine at codon 1485 is replaced by glutamic acid, an amino acid with similar properties. This amino acid position is conserved. In addition, the in silico prediction for this alteration is inconclusive. Based on the available evidence, the clinical significance of this variant remains unclear.

NM_177438.3(DICER1):c.4453A>G (p.Lys1485Glu)

Gene: DICER1 (dicer 1, ribonuclease III; minus strand). Cytogenetic location: 14q32.13.
Variant type: single nucleotide variant.
Coding change: c.4453A>G on transcript NM_177438.3 (MANE Select); coding-DNA position 4453, A replaced by G.
Protein change: p.Lys1485Glu; replaces lysine 1485 with glutamic acid.
Molecular consequence: missense variant. On other transcripts: non-coding transcript variant (6).
Genome position (GRCh38, 1-based): chr14:95,096,467, T>C on the plus strand (A>G on the coding strand, the complement: DICER1 is on the minus strand). VCF-style: chr14-95096467-T-C. GRCh37 (hg19) VCF-style: chr14-95562804-T-C.
Other names: c.4453A>G, p.Lys1485Glu (NM_001395683.1, NM_001395684.1, NM_001395692.1 and 12 more transcripts); c.4171A>G, p.Lys1391Glu (NM_001395686.1); c.4048A>G, p.Lys1350Glu (NM_001395687.1, NM_001395688.1, NM_001395689.1 and 2 more transcripts); c.3886A>G, p.Lys1296Glu (NM_001395691.1); c.2770A>G, p.Lys924Glu (NM_001395697.1); short protein forms K1350E, K924E, K1296E, K1485E, K1391E.
Identifiers: ClinVar variation 5035323 (VCV005035323.1).
Genomic context (GRCh38, chr14:95,096,467, plus strand): 5'-AGCTGTAGTCAAAATCCTCAAAATCTGATGAAAATGGCATACTACCTAAGGAGGATTTTT[T>C]GGGCATTTTCCATTCATATGCAGAATCAGTGGTTGAAAAAGGAGAAAGAGAGATTTTCTT-3'
Protein context (NP_803187.1, residues 1475-1495): TDSAYEWKMP[Lys1485Glu]KSSLGSMPFS